The following is an entry in ClinVar:

ClinVar aggregate classification (germline): Uncertain significance (1 of 4 stars; one submission).

Allele frequency attached by ClinVar (database versions not stated): TOPMed 0.00002 and 0.00001.
gnomAD v4.1: 18 of 1,613,040 alleles (0.0011%); highest among the groups gnomAD compares: Non-Finnish European, 0.0014%; no homozygotes.

Submission:

GeneDx
Classification: Uncertain significance. Last evaluated: 2014-05-15. Review status: criteria provided, single submitter. Criteria: GeneDx Variant Classification (06012015). Collection method: clinical testing. Allele origin: germline. Affected: yes.
Comment: Missense variants in the TTN gene are considered 'unclassified' if they are not previously reported in the literature and do not have >1% frequency in the population to be considered a polymorphism. Research indicates that truncating mutations in the TTN gene are expected to account for approximately 25% of familial and 18% of sporadic idiopathic DCM; however, truncating variants in the TTN gene have been reported in approximately 3% of reported control alleles. There has been little investigation into non-truncating variants. (Herman D et al. Truncations of titin causing dilated cardiomyopathy. N Eng J Med 366:619-628, 2012) The variant is found in DCM-CRDM panel(s).

NM_133379.5(TTN):c.11653A>C (p.Thr3885Pro)

Gene: TTN (titin; minus strand). Cytogenetic location: 2q31.2.
Variant type: single nucleotide variant.
Coding change: c.11653A>C on transcript NM_133379.5 (MANE Plus Clinical); coding-DNA position 11653, A replaced by C.
Protein change: p.Thr3885Pro; replaces threonine 3885 with proline.
Molecular consequence: missense variant. On other transcripts: intron variant (6).
Genome position (GRCh38, 1-based): chr2:178,750,747, T>G on the plus strand (A>C on the coding strand, the complement: TTN is on the minus strand). VCF-style: chr2-178750747-T-G. GRCh37 (hg19) VCF-style: chr2-179615474-T-G.
Other names: p.T3885P:ACA>CCA; c.10222+2377A>C (NM_003319.4); c.10798+2377A>C (NM_133437.4); c.10597+2377A>C (NM_133432.3); c.10360+2377A>C (NM_133378.4, NM_001256850.1); c.11311+2377A>C (NM_001267550.2); short protein forms T3885P.
Identifiers: ClinVar variation 203187 (VCV000203187.2), dbSNP rs794729590, ClinGen allele CA311622.